The following is an entry in ClinVar:

ClinVar aggregate classification (germline): Benign/Likely benign. Review status: criteria provided, multiple submitters, no conflicts (2 of 4 stars). 4 submissions from 4 submitters: Benign (1); Likely benign (2). 1 of the submissions does not count toward it. Last evaluated 2025-07-01.

Conditions:
VARS1-related disorder. Also called: VARS1-related condition.

Allele frequency attached by ClinVar (database versions not stated): 1000 Genomes Project 30x 0.00016; 1000 Genomes Project 0.00020; ESP Exome Variant Server 0.00024; gnomAD exomes 0.00040 and 0.00077; gnomAD 0.00048 and 0.00051; TOPMed 0.00049; ExAC 0.00071.
gnomAD v4.1: 686 of 1,613,100 alleles (0.043%); highest among the groups gnomAD compares: Middle Eastern, 0.49%; 3 homozygotes.

Submissions (4):

CeGaT Center for Human Genetics Tuebingen
Classification: Likely benign. Last evaluated: 2025-07-01. Review status: criteria provided, single submitter. Criteria: CeGaT Center For Human Genetics Tuebingen Variant Classification Criteria Version 2. Collection method: clinical testing. Allele origin: germline. Affected: yes. Observed: 2 variant alleles.
Comment: VARS1: BP4, BP7

Blueprint Genetics
Classification: Likely benign. Last evaluated: 2024-11-11. Review status: criteria provided, single submitter. Criteria: ACMG Guidelines, 2015. Collection method: clinical testing. Allele origin: germline.

Labcorp Genetics (formerly Invitae), Labcorp
Classification: Benign. Last evaluated: 2019-12-31. Review status: criteria provided, single submitter. Criteria: Invitae Variant Classification Sherloc (09022015). Collection method: clinical testing. Allele origin: germline.

PreventionGenetics, part of Exact Sciences
Classification: Benign for VARS1-related condition. Last evaluated: 2019-07-01. Review status: no assertion criteria provided. Collection method: clinical testing. Allele origin: germline. Not counted in ClinVar's aggregate classification.
Comment: This variant is classified as benign based on ACMG/AMP sequence variant interpretation guidelines (Richards et al. 2015 PMID: 25741868, with internal and published modifications).

NM_006295.3(VARS1):c.1413T>C (p.Ser471=)

Gene: VARS1 (valyl-tRNA synthetase 1; minus strand). Cytogenetic location: 6p21.33.
Variant type: single nucleotide variant.
Coding change: c.1413T>C on transcript NM_006295.3 (MANE Select); coding-DNA position 1413, T replaced by C.
Protein change: p.Ser471=; no amino-acid change (serine 471 retained).
Molecular consequence: synonymous variant.
Genome position (GRCh38, 1-based): chr6:31,784,649, A>G on the plus strand (T>C on the coding strand, the complement: VARS1 is on the minus strand). VCF-style: chr6-31784649-A-G. GRCh37 (hg19) VCF-style: chr6-31752426-A-G.
Identifiers: ClinVar variation 781866 (VCV000781866.30), dbSNP rs143269038, ClinGen allele CA3723313.
Genomic context (GRCh38, chr6:31,784,649, plus strand): 5'-GCGCACCTCAATGTCAGAGATGGCGGAGTTGAGGGTGCAGGACCAGTTAACAAGGCGGGT[A>G]CTGCGATAGATGATGCCTTCCTCGTGAAGCCGGACAAAGGCCTCTGTCACAGCTGCTGAG-3'
Protein context (NP_006286.1, residues 461-481): RLHEEGIIYR[Ser471=]TRLVNWSCTL